The following is an entry in ClinVar:

NM_000089.4(COL1A2):c.2656G>C (p.Gly886Arg)

Gene: COL1A2 (collagen type I alpha 2 chain; plus strand). Cytogenetic location: 7q21.3.
Variant type: single nucleotide variant.
Coding change: c.2656G>C on transcript NM_000089.4 (MANE Select); coding-DNA position 2656, G replaced by C.
Protein change: p.Gly886Arg; replaces glycine 886 with arginine.
Molecular consequence: missense variant.
Genome position (GRCh38, 1-based): chr7:94,424,426, G>C. VCF-style: chr7-94424426-G-C. GRCh37 (hg19) VCF-style: chr7-94053738-G-C.
Other names: short protein forms G886R.
Identifiers: ClinVar variation 3906412 (VCV003906412.1).

ClinVar aggregate classification (germline): Pathogenic (1 of 4 stars; one submission).

Submission:

GeneDx
Classification: Pathogenic. Last evaluated: 2024-12-23. Review status: criteria provided, single submitter. Criteria: GeneDx Variant Classification Process June 2021. Collection method: clinical testing. Allele origin: germline. Affected: yes.
Comment: Occurs in the triple helical domain and replaces a glycine in a canonical Gly-X-Y repeat; missense substitution of a canonical glycine residue is expected to disrupt normal protein folding and function, and this is an established mechanism of disease (PMID: 34007986); Not observed at significant frequency in large population cohorts (gnomAD); In silico analysis supports that this missense variant has a deleterious effect on protein structure/function; Has not been previously published as pathogenic or benign to our knowledge; This variant is associated with the following publications: (PMID: 34007986)